The following is an entry in ClinVar:

NM_000252.3(MTM1):c.71G>C (p.Arg24Pro)

Gene: MTM1 (myotubularin 1; plus strand). Cytogenetic location: Xq28.
Variant type: single nucleotide variant.
Coding change: c.71G>C on transcript NM_000252.3 (MANE Select); coding-DNA position 71, G replaced by C.
Protein change: p.Arg24Pro; replaces arginine 24 with proline.
Molecular consequence: missense variant.
Genome position (GRCh38, 1-based): chrX:150,596,505, G>C. VCF-style: chrX-150596505-G-C. GRCh37 (hg19) VCF-style: chrX-149764969-G-C.
Other names: c.71G>C, p.Arg24Pro (NM_001376906.1, NM_001376907.1, NM_001376908.1); short protein forms R24P.
Identifiers: ClinVar variation 3636339 (VCV003636339.2).

ClinVar aggregate classification (germline): Uncertain significance (1 of 4 stars; one submission).

Conditions:
Severe X-linked myotubular myopathy (CNMX). Also called: MYOTUBULAR MYOPATHY 1; X-linked centronuclear myopathy; Myotubular myopathy, X-linked. Identifiers: Orphanet 596, MedGen C0410203, MONDO:0010683, OMIM 310400.

gnomAD v4.1: 1 of 1,208,039 alleles (0.000083%); highest among the groups gnomAD compares: Non-Finnish European, 0.00011%; no homozygotes.

Submission:

Labcorp Genetics (formerly Invitae), Labcorp
Classification: Uncertain significance for Severe X-linked myotubular myopathy. Last evaluated: 2024-09-09. Review status: criteria provided, single submitter. Criteria: Invitae Variant Classification Sherloc (09022015). Collection method: clinical testing. Allele origin: germline.
Comment: This sequence change replaces arginine, which is basic and polar, with proline, which is neutral and non-polar, at codon 24 of the MTM1 protein (p.Arg24Pro). This variant is not present in population databases (gnomAD no frequency). This variant has not been reported in the literature in individuals affected with MTM1-related conditions. Invitae Evidence Modeling of protein sequence and biophysical properties (such as structural, functional, and spatial information, amino acid conservation, physicochemical variation, residue mobility, and thermodynamic stability) has been performed for this missense variant. However, the output from this modeling did not meet the statistical confidence thresholds required to predict the impact of this variant on MTM1 protein function. In summary, the available evidence is currently insufficient to determine the role of this variant in disease. Therefore, it has been classified as a Variant of Uncertain Significance.